The following is an entry in ClinVar:

ClinVar aggregate classification (germline): not provided (0 of 4 stars; one submission).

Conditions:
Large for gestational age. Identifiers: MedGen C1848395, HP:0001520.

Submission:

Institute of Molecular and Cell Biology, University of Tartu
No classification provided. Condition: Large for gestational age. Review status: no classification provided. Collection method: case-control. Allele origin: unknown. Affected: yes. Study: Kasak2014.
Comment: The study aimed to determine the contribution of copy number variants in the genetic etiology of normal and complicated pregnancies. The samples represented (i) maternal blood DNA drawn from healthy pregnant women during 1st or 2nd trimester and (ii) maternal and paternal blood DNA drawn at term pregnancy cases representing normal and complicated gestations (severe preeclampsia, PE; gestational diabetes, GD; small-for-gestational age newborn, SGA; large-for-gestational age newborn, LGA). We performed CNV calling based on genome-wide genotyping dataset (Illumina HumanOmniExpress-24-v1 BeadChip) by applying three algorithms, QuantiSNP, GADA (Genome Alteration Detection Algorithm) and CNstream in parallel. The acquired CNV calls were merged with HD-CNV (Hotspot Detector for Copy Number Variants) program and only the CNVs predicted by at least two programs, were considered in subsequent analysis.

Literature cited by the submitters: PubMed 25666259.

Single allele

Variant type: Deletion.
Identifiers: ClinVar variation 156822 (VCV000156822.2).